The following is an entry in ClinVar:

ClinVar aggregate classification (germline): Uncertain significance (1 of 4 stars; one submission).

Conditions:
Hereditary cancer-predisposing syndrome. Also called: Neoplastic Syndromes, Hereditary; Tumor predisposition; Hereditary neoplastic syndrome; Hereditary Cancer Syndrome. Identifiers: Orphanet 140162, MedGen C0027672, MeSH D009386, MONDO:0015356.
Cardiovascular phenotype. Identifiers: MedGen CN230736.

Submission:

Ambry Genetics
Classification: Uncertain significance for Cardiovascular phenotype; Hereditary cancer-predisposing syndrome. Last evaluated: 2023-07-08. Review status: criteria provided, single submitter. Criteria: Ambry Variant Classification Scheme 2023. Collection method: clinical testing. Allele origin: germline.
Comment: The p.Q2267E variant (also known as c.6799C>G), located in coding exon 45 of the NF1 gene, results from a C to G substitution at nucleotide position 6799. The glutamine at codon 2267 is replaced by glutamic acid, an amino acid with highly similar properties. This amino acid position is highly conserved in available vertebrate species. In addition, the in silico prediction for this alteration is inconclusive. Since supporting evidence is limited at this time, the clinical significance of this alteration remains unclear.

NM_001042492.3(NF1):c.6862C>G (p.Gln2288Glu)

Gene: NF1 (neurofibromin 1; plus strand). Cytogenetic location: 17q11.2.
Variant type: single nucleotide variant.
Coding change: c.6862C>G on transcript NM_001042492.3 (MANE Select); coding-DNA position 6862, C replaced by G.
Protein change: p.Gln2288Glu; replaces glutamine 2288 with glutamic acid.
Molecular consequence: missense variant.
Genome position (GRCh38, 1-based): chr17:31,338,746, C>G. VCF-style: chr17-31338746-C-G. GRCh37 (hg19) VCF-style: chr17-29665764-C-G.
Other names: c.6799C>G, p.Gln2267Glu (NM_000267.4); short protein forms Q2267E, Q2288E.
Identifiers: ClinVar variation 3237900 (VCV003237900.1), dbSNP rs2151559233.